The following is an entry in ClinVar:

NM_000535.7(PMS2):c.1351A>G (p.Arg451Gly)

Gene: PMS2 (PMS1 homolog 2, mismatch repair system component; minus strand). Cytogenetic location: 7p22.1.
Variant type: single nucleotide variant.
Coding change: c.1351A>G on transcript NM_000535.7 (MANE Select); coding-DNA position 1351, A replaced by G.
Protein change: p.Arg451Gly; replaces arginine 451 with glycine.
Molecular consequence: missense variant. On other transcripts: non-coding transcript variant (1), intron variant (1).
Genome position (GRCh38, 1-based): chr7:5,987,414, T>C on the plus strand (A>G on the coding strand, the complement: PMS2 is on the minus strand). VCF-style: chr7-5987414-T-C. GRCh37 (hg19) VCF-style: chr7-6027045-T-C.
Other names: c.946A>G, p.Arg316Gly (NM_001322003.2, NM_001322004.2, NM_001322005.2 and 16 more transcripts); c.1195A>G, p.Arg399Gly (NM_001322006.2, NM_001406870.1); c.1033A>G, p.Arg345Gly (NM_001322007.2, NM_001322008.2, NM_001406876.1 and 2 more transcripts); c.790A>G, p.Arg264Gly (NM_001322010.2, NM_001406906.1, NM_001406907.1); c.418A>G, p.Arg140Gly (NM_001322011.2, NM_001322012.2); c.778A>G, p.Arg260Gly (NM_001322013.2, NM_001406909.1); c.1351A>G, p.Arg451Gly (NM_001322014.2, NM_001406871.1, NM_001406872.1); c.1042A>G, p.Arg348Gly (NM_001322015.2, NM_001406875.1, NM_001406877.1 and 5 more transcripts); and 13 more; short protein forms R140G, R296G, R316G, R343G, R451G, R194G, R264G, R345G.
Identifiers: ClinVar variation 3643166 (VCV003643166.3).

ClinVar aggregate classification (germline): Uncertain significance. Review status: criteria provided, multiple submitters, no conflicts (2 of 4 stars). 2 submissions from 2 submitters: Uncertain significance (2). Last evaluated 2025-07-12.

Conditions:
Hereditary cancer-predisposing syndrome. Also called: Hereditary neoplastic syndrome; Tumor predisposition; Hereditary Cancer Syndrome; Neoplastic Syndromes, Hereditary. Identifiers: Orphanet 140162, MedGen C0027672, MeSH D009386, MONDO:0015356.
Hereditary nonpolyposis colorectal neoplasms. Identifiers: MedGen C0009405, MeSH D003123.

Submissions (2):

Ambry Genetics
Classification: Uncertain significance for Hereditary cancer-predisposing syndrome. Last evaluated: 2025-07-12. Review status: criteria provided, single submitter. Criteria: Ambry Variant Classification Scheme 2023. Collection method: clinical testing. Allele origin: germline.
Comment: The p.R451G variant (also known as c.1351A>G), located in coding exon 11 of the PMS2 gene, results from an A to G substitution at nucleotide position 1351. The arginine at codon 451 is replaced by glycine, an amino acid with dissimilar properties. This amino acid position is conserved. In addition, this alteration is predicted to be tolerated by in silico analysis. Based on the available evidence, the clinical significance of this variant remains unclear.

Labcorp Genetics (formerly Invitae), Labcorp
Classification: Uncertain significance for Hereditary nonpolyposis colorectal neoplasms. Last evaluated: 2024-02-25. Review status: criteria provided, single submitter. Criteria: Invitae Variant Classification Sherloc (09022015). Collection method: clinical testing. Allele origin: germline.
Comment: This sequence change replaces arginine, which is basic and polar, with glycine, which is neutral and non-polar, at codon 451 of the PMS2 protein (p.Arg451Gly). This variant is not present in population databases (gnomAD no frequency). This variant has not been reported in the literature in individuals affected with PMS2-related conditions. Advanced modeling of protein sequence and biophysical properties (such as structural, functional, and spatial information, amino acid conservation, physicochemical variation, residue mobility, and thermodynamic stability) performed at Invitae indicates that this missense variant is not expected to disrupt PMS2 protein function with a negative predictive value of 80%. In summary, the available evidence is currently insufficient to determine the role of this variant in disease. Therefore, it has been classified as a Variant of Uncertain Significance.